The following is an entry in ClinVar:

ClinVar aggregate classification (germline): Uncertain significance (1 of 4 stars; one submission).

Conditions:
Cohen syndrome (COH1). Also called: PEPPER SYNDROME; Cutis verticis gyrata, retinitis pigmentosa, and sensorineural deafness. Identifiers: Orphanet 193, MedGen C0265223, MONDO:0008999, OMIM 216550.

gnomAD v4.1: 1 of 1,614,150 alleles (0.000062%); no homozygotes.

Submission:

Labcorp Genetics (formerly Invitae), Labcorp
Classification: Uncertain significance for Cohen syndrome. Last evaluated: 2024-09-06. Review status: criteria provided, single submitter. Criteria: Invitae Variant Classification Sherloc (09022015). Collection method: clinical testing. Allele origin: germline.
Comment: This sequence change replaces glutamic acid, which is acidic and polar, with lysine, which is basic and polar, at codon 3441 of the VPS13B protein (p.Glu3441Lys). This variant is not present in population databases (gnomAD no frequency). This variant has not been reported in the literature in individuals affected with VPS13B-related conditions. ClinVar contains an entry for this variant (Variation ID: 2139881). Invitae Evidence Modeling of protein sequence and biophysical properties (such as structural, functional, and spatial information, amino acid conservation, physicochemical variation, residue mobility, and thermodynamic stability) indicates that this missense variant is not expected to disrupt VPS13B protein function with a negative predictive value of 80%. In summary, the available evidence is currently insufficient to determine the role of this variant in disease. Therefore, it has been classified as a Variant of Uncertain Significance.

NM_152564.5(VPS13B):c.10246G>A (p.Glu3416Lys)

Gene: VPS13B (vacuolar protein sorting 13 homolog B; plus strand). Cytogenetic location: 8q22.2.
Variant type: single nucleotide variant.
Coding change: c.10246G>A on transcript NM_152564.5 (MANE Select); coding-DNA position 10246, G replaced by A.
Protein change: p.Glu3416Lys; replaces glutamic acid 3416 with lysine.
Molecular consequence: missense variant.
Genome position (GRCh38, 1-based): chr8:99,853,635, G>A. VCF-style: chr8-99853635-G-A. GRCh37 (hg19) VCF-style: chr8-100865863-G-A.
Other names: c.10321G>A, p.Glu3441Lys (NM_017890.5); short protein forms E3441K, E3416K.
Identifiers: ClinVar variation 2139881 (VCV002139881.4), dbSNP rs2492237263, ClinGen allele CA371781146.